The following is an entry in ClinVar:

NM_001267550.2(TTN):c.36448+2T>C

Gene: TTN (titin; minus strand). Cytogenetic location: 2q31.2.
Variant type: single nucleotide variant.
Coding change: c.36448+2T>C on transcript NM_001267550.2 (MANE Select); the canonical splice donor site of the intron after coding-DNA position 36448, T replaced by C.
Molecular consequence: splice donor variant. On other transcripts: intron variant (5).
Genome position (GRCh38, 1-based): chr2:178,663,817, A>G on the plus strand (T>C on the coding strand, the complement: TTN is on the minus strand). VCF-style: chr2-178663817-A-G. GRCh37 (hg19) VCF-style: chr2-179528544-A-G.
Other names: c.13283-21500T>C (NM_003319.4); c.13859-21500T>C (NM_133437.4); c.13658-21500T>C (NM_133432.3); c.31484-762T>C (NM_133378.4); c.34265-762T>C (NM_001256850.1).
Identifiers: ClinVar variation 1355939 (VCV001355939.12), dbSNP rs1426178024, ClinGen allele CA349498456.
Genomic context (GRCh38, chr2:178,663,817, plus strand): 5'-TGGAAAAAATATCTTCAAGAGCAAAAGAATGAGATCTGAAGCCTAAGGTCAGTGGCAACT[A>G]CCTTTAACAGGTGGGACTTCAGGCTCTTTAGGAGGAGCCAAGGGCACTTTCTCTTCGCGG-3'

ClinVar aggregate classification (germline): Conflicting classifications of pathogenicity. Review status: criteria provided, conflicting classifications (1 of 4 stars). 4 submissions from 4 submitters: Likely pathogenic (3); Uncertain significance (1). Last evaluated 2026-02-01.

Conditions:
Autosomal recessive limb-girdle muscular dystrophy type 2J (LGMDR10). Also called: MUSCULAR DYSTROPHY, LIMB-GIRDLE, AUTOSOMAL RECESSIVE 10; Limb-girdle muscular dystrophy, type 2J. Identifiers: Orphanet 140922, MedGen C1837342, MONDO:0012127, OMIM 608807.
Dilated cardiomyopathy 1G (CMD1G). Identifiers: Orphanet 154, MedGen C1858763, MONDO:0011400, OMIM 604145.

Allele frequency attached by ClinVar (database versions not stated): gnomAD exomes below 0.00001; gnomAD 0.00001; TOPMed 0.00004.
gnomAD v4.1: 3 of 1,613,470 alleles (0.00019%); highest among the groups gnomAD compares: African/African-American, 0.0027%; no homozygotes.

Submissions (4):

CeGaT Center for Human Genetics Tuebingen
Classification: Uncertain significance. Last evaluated: 2026-02-01. Review status: criteria provided, single submitter. Criteria: CeGaT Center For Human Genetics Tuebingen Variant Classification Criteria Version 2. Collection method: clinical testing. Allele origin: germline. Affected: yes. Observed: 1 variant allele.
Comment: TTN: PM2, PVS1:Moderate

Dasa
Classification: Likely pathogenic. Last evaluated: 2025-04-03. Review status: criteria provided, single submitter. Criteria: DASA Assertion Criteria. Collection method: clinical testing. Allele origin: germline.
Comment: NM_001267550.2(TTN):c.36448+2T>C introduces a premature termination codon predicted to result in loss of normal protein function. Loss-of-function is an established mechanism of disease for this gene. This variant has been reported in individuals with related phenotype. Multiple computational predictions support a deleterious effect on the gene or gene product. The variant is present at low frequency in population datasets. Based on the available data, this variant is classified as likely pathogenic.

Labcorp Genetics (formerly Invitae), Labcorp
Classification: Likely pathogenic for Dilated cardiomyopathy 1G; Autosomal recessive limb-girdle muscular dystrophy type 2J. Last evaluated: 2024-01-17. Review status: criteria provided, single submitter. Criteria: Invitae Variant Classification Sherloc (09022015). Collection method: clinical testing. Allele origin: germline.
Comment: This sequence change affects a donor splice site in intron 170 of the TTN gene. It is expected to disrupt RNA splicing and likely results in a truncated or disrupted TTN protein. This variant is not present in population databases (gnomAD no frequency). This variant has not been reported in the literature in individuals affected with TTN-related conditions. ClinVar contains an entry for this variant (Variation ID: 1355939). Algorithms developed to predict the effect of sequence changes on RNA splicing suggest that this variant may disrupt the consensus splice site. This variant is located in the I band of TTN (PMID: 25589632). Truncating variants in this region have been reported in individuals affected with autosomal recessive centronuclear myopathy (PMID: 23975875, Invitae internal data). Truncating variants in this region have also been identified in individuals affected with autosomal dominant dilated cardiomyopathy and/or cardio-related conditions (PMID: 27869827, 32964742, Invitae internal data). In summary, the currently available evidence indicates that the variant is pathogenic, but additional data are needed to prove that conclusively. Therefore, this variant has been classified as Likely Pathogenic.

GeneDx
Classification: Likely pathogenic. Last evaluated: 2023-06-06. Review status: criteria provided, single submitter. Criteria: GeneDx Variant Classification Process June 2021. Collection method: clinical testing. Allele origin: germline. Affected: yes.
Comment: Canonical splice site variant expected to result in aberrant splicing, although in the absence of functional evidence the actual effect of this sequence change is unknown.; Not observed at significant frequency in large population cohorts (gnomAD); Has not been previously published as pathogenic or benign to our knowledge; Located in a region of TTN in which the majority of pathogenic variants have been reported in association with autosomal recessive titinopathies (Fernandez-Marmiesse et al., 2017; Chervinsky et al., 2018; Bryen, et al., 2020; Savarese et al., 2020); This variant is associated with the following publications: (PMID: 27625338, 27869827)

Literature cited by the submitters: PubMed 25589632 (cited by Labcorp Genetics (formerly Invitae), Labcorp); PubMed 23975875 (cited by Labcorp Genetics (formerly Invitae), Labcorp); PubMed 27869827 (cited by Labcorp Genetics (formerly Invitae), Labcorp); PubMed 32964742 (cited by Labcorp Genetics (formerly Invitae), Labcorp).